The following is an entry in ClinVar:

ClinVar aggregate classification (germline): Likely pathogenic (1 of 4 stars; one submission).

Conditions:
Congenital lipoid adrenal hyperplasia due to STAR deficency. Also called: Lipoid adrenal hyperplasia; Congenital Lipoid Adrenal Hyperplasia; Cholesterol monooxygenase (side-chain cleaving) deficiency; ADRENAL HYPERPLASIA I. Identifiers: Orphanet 418, Orphanet 90790, MedGen C0342474, MONDO:0008725, OMIM 201710.

Submission:

Myriad Genetics, Inc.
Classification: Likely pathogenic for Congenital lipoid adrenal hyperplasia due to STAR deficency. Last evaluated: 2022-05-30. Review status: criteria provided, single submitter. Criteria: Myriad Women's Health Autosomal Recessive and X-Linked Classification Criteria (2021). Collection method: clinical testing. Allele origin: unknown.
Comment: NM_000349.2(STAR):c.271_272delAG(S91Qfs*20) is expected to be pathogenic in the context of lipoid congenital adrenal hyperplasia. This variant is predicted to lead to an abnormal or absent protein product due to the creation of a premature termination codon in STAR, a gene where loss-of-function variants are known to be pathogenic. Please note: this variant was assessed in the context of healthy population screening.

NM_000349.3(STAR):c.271_272del (p.Ser91fs)

Gene: STAR (steroidogenic acute regulatory protein; minus strand). Cytogenetic location: 8p11.23.
Variant type: Deletion.
Coding change: c.271_272del on transcript NM_000349.3 (MANE Select); coding-DNA positions 271 to 272, 2 bases deleted (AG; older notation c.271_272delAG).
Protein change: p.Ser91fs; shifts the reading frame from serine 91.
Molecular consequence: frameshift variant.
Genome position (GRCh38, 1-based): chr8:38,148,234-38,148,235, CT deleted on the plus strand (AG on the coding strand, the reverse complement: STAR is on the minus strand). VCF-style (leftmost placement, unchanged base first): chr8-38148233-GCT-G. GRCh37 (hg19) VCF-style: chr8-38005751-GCT-G.
Other names: short protein forms S91fs.
Identifiers: ClinVar variation 1726250 (VCV001726250.2), dbSNP rs2487067364, ClinGen allele CA2580078233.